The following is an entry in ClinVar:

ClinVar aggregate classification (germline): Likely pathogenic (1 of 4 stars; one submission).

Conditions:
Polycystic kidney disease 4 (PKD4). Also called: POLYCYSTIC KIDNEY AND HEPATIC DISEASE 1; POLYCYSTIC KIDNEY DISEASE, INFANTILE, TYPE I; POLYCYSTIC KIDNEY DISEASE 4 WITH OR WITHOUT POLYCYSTIC LIVER DISEASE; PKD3; Autosomal Recessive Polycystic Kidney Disease – PKHD1. Identifiers: MedGen C4540575, MONDO:0033004, OMIM 263200.

Submission:

Myriad Genetics, Inc.
Classification: Likely pathogenic for Polycystic kidney disease 4. Last evaluated: 2022-02-25. Review status: criteria provided, single submitter. Criteria: Myriad Women's Health Autosomal Recessive and X-Linked Classification Criteria (2021). Collection method: clinical testing. Allele origin: unknown.
Comment: NM_138694.3(PKHD1):c.519C>A(Y173*) is expected to be pathogenic in the context of autosomal recessive polycystic kidney disease, PKHD1-related. This variant is predicted to lead to an abnormal or absent protein product due to the creation of a premature termination codon in PKHD1, a gene where loss-of-function variants are known to be pathogenic. Please note: this variant was assessed in the context of healthy population screening.

NM_138694.4(PKHD1):c.519C>A (p.Tyr173Ter)

Gene: PKHD1 (PKHD1 ciliary IPT domain containing fibrocystin/polyductin; minus strand). Cytogenetic location: 6p12.2.
Variant type: single nucleotide variant.
Coding change: c.519C>A on transcript NM_138694.4 (MANE Select); coding-DNA position 519, C replaced by A.
Protein change: p.Tyr173Ter; replaces tyrosine 173 with a stop codon.
Molecular consequence: nonsense.
Genome position (GRCh38, 1-based): chr6:52,073,471, G>T on the plus strand (C>A on the coding strand, the complement: PKHD1 is on the minus strand). VCF-style: chr6-52073471-G-T. GRCh37 (hg19) VCF-style: chr6-51938269-G-T.
Other names: c.519C>A, p.Tyr173Ter (NM_170724.3); short protein forms Y173*.
Identifiers: ClinVar variation 1724660 (VCV001724660.2), dbSNP rs1044839219, ClinGen allele CA364435924.